The following is an entry in ClinVar:

ClinVar aggregate classification (germline): Conflicting classifications of pathogenicity. Review status: criteria provided, conflicting classifications (1 of 4 stars). 3 submissions from 3 submitters: Uncertain significance (2); Likely benign (1). Last evaluated 2026-05-18.

Allele frequency attached by ClinVar (database versions not stated): gnomAD 0.00001 and 0.00004; TOPMed 0.00002; gnomAD exomes 0.00004 and 0.00005; ExAC 0.00006; 1000 Genomes Project 0.00020; 1000 Genomes Project 30x 0.00031.
gnomAD v4.1: 60 of 1,613,842 alleles (0.0037%); highest among the groups gnomAD compares: South Asian, 0.048%; 1 homozygote.

Submissions (3):

GeneDx
Classification: Uncertain significance. Last evaluated: 2026-05-18. Review status: criteria provided, single submitter. Criteria: GeneDx Variant Classification Process June 2021. Collection method: clinical testing. Allele origin: germline.
Comment: In silico analysis suggests that this missense variant does not alter protein structure/function; Has not been previously published as pathogenic or benign to our knowledge

Labcorp Genetics (formerly Invitae), Labcorp
Classification: Likely benign. Last evaluated: 2026-01-14. Review status: criteria provided, single submitter. Criteria: Invitae Variant Classification Sherloc (09022015). Collection method: clinical testing. Allele origin: germline.

Blueprint Genetics
Classification: Uncertain significance. Last evaluated: 2023-09-11. Review status: criteria provided, single submitter. Criteria: ACMG Guidelines, 2015. Collection method: clinical testing. Allele origin: germline.

NM_206933.4(USH2A):c.13577G>A (p.Arg4526Gln)

Gene: USH2A (usherin; minus strand). Cytogenetic location: 1q41.
Variant type: single nucleotide variant.
Coding change: c.13577G>A on transcript NM_206933.4 (MANE Select); coding-DNA position 13577, G replaced by A.
Protein change: p.Arg4526Gln; replaces arginine 4526 with glutamine.
Molecular consequence: missense variant.
Genome position (GRCh38, 1-based): chr1:215,674,334, C>T on the plus strand (G>A on the coding strand, the complement: USH2A is on the minus strand). VCF-style: chr1-215674334-C-T. GRCh37 (hg19) VCF-style: chr1-215847676-C-T.
Other names: short protein forms R4526Q.
Identifiers: ClinVar variation 866149 (VCV000866149.13), dbSNP rs527644737, ClinGen allele CA1393263.